The following is an entry in ClinVar:

NM_002303.6(LEPR):c.1527C>T (p.Tyr509=)

Gene: LEPR (leptin receptor; plus strand). Cytogenetic location: 1p31.3.
Variant type: single nucleotide variant.
Coding change: c.1527C>T on transcript NM_002303.6 (MANE Select); coding-DNA position 1527, C replaced by T.
Protein change: p.Tyr509=; no amino-acid change (tyrosine 509 retained).
Molecular consequence: synonymous variant.
Genome position (GRCh38, 1-based): chr1:65,605,161, C>T. VCF-style: chr1-65605161-C-T. GRCh37 (hg19) VCF-style: chr1-66070844-C-T.
Other names: c.1527C>T, p.Tyr509= (NM_001003679.3, NM_001003680.3, NM_001198687.2 and 2 more transcripts).
Identifiers: ClinVar variation 3352215 (VCV003352215.1).

ClinVar aggregate classification (germline): Likely benign (0 of 4 stars; one submission).

Conditions:
LEPR-related disorder. Also called: LEPR-related condition; LEPR-related disorders.

gnomAD v4.1: 8 of 1,614,014 alleles (0.0005%); highest among the groups gnomAD compares: Admixed American, 0.012%; no homozygotes.

Submission:

PreventionGenetics, part of Exact Sciences
Classification: Likely benign for LEPR-related condition. Last evaluated: 2020-04-13. Review status: no assertion criteria provided. Collection method: clinical testing. Allele origin: germline.
Comment: This variant is classified as likely benign based on ACMG/AMP sequence variant interpretation guidelines (Richards et al. 2015 PMID: 25741868, with internal and published modifications).